The following is an entry in ClinVar:

NM_004006.3(DMD):c.187C>A (p.Pro63Thr)

Gene: DMD (dystrophin; minus strand). Cytogenetic location: Xp21.1.
Variant type: single nucleotide variant.
Coding change: c.187C>A on transcript NM_004006.3 (MANE Select); coding-DNA position 187, C replaced by A.
Protein change: p.Pro63Thr; replaces proline 63 with threonine.
Molecular consequence: missense variant. On other transcripts: 5 prime UTR variant (1).
Genome position (GRCh38, 1-based): chrX:32,844,860, G>T on the plus strand (C>A on the coding strand, the complement: DMD is on the minus strand). VCF-style: chrX-32844860-G-T. GRCh37 (hg19) VCF-style: chrX-32862977-G-T.
Other names: c.163C>A, p.Pro55Thr (NM_000109.4); c.175C>A, p.Pro59Thr (NM_004009.3); c.-183C>A (NM_004010.3); short protein forms P59T, P55T, P63T.
Identifiers: ClinVar variation 5035390 (VCV005035390.1).

ClinVar aggregate classification (germline): Uncertain significance (1 of 4 stars; one submission).

Conditions:
Cardiovascular phenotype. Identifiers: MedGen CN230736.

Submission:

Ambry Genetics
Classification: Uncertain significance for Cardiovascular phenotype. Last evaluated: 2026-07-22. Review status: criteria provided, single submitter. Criteria: Ambry Variant Classification Scheme 2023. Collection method: clinical testing. Allele origin: germline.
Comment: The p.P63T variant (also known as c.187C>A), located in coding exon 4 of the DMD gene, results from a C to A substitution at nucleotide position 187. This variant impacts the first base pair of coding exon 4. The proline at codon 63 is replaced by threonine, an amino acid with highly similar properties. This amino acid position is well conserved in available vertebrate species. In addition, the in silico prediction for this alteration is inconclusive. Based on the available evidence, the clinical significance of this variant remains unclear.